The following is an entry in ClinVar:

ClinVar aggregate classification (germline): Likely benign. Review status: criteria provided, multiple submitters, no conflicts (2 of 4 stars). 2 submissions from 2 submitters: Likely benign (2). Last evaluated 2025-12-20.

Allele frequency attached by ClinVar (database versions not stated): 1000 Genomes Project 30x 0.00016; 1000 Genomes Project 0.00020; gnomAD 0.00023 and 0.00026; TOPMed 0.00025; gnomAD exomes 0.00033 and 0.00071; ESP Exome Variant Server 0.00038; ExAC 0.00073.
gnomAD v4.1: 549 of 1,613,542 alleles (0.034%); highest among the groups gnomAD compares: South Asian, 0.18%; 5 homozygotes.

Submissions (2):

Labcorp Genetics (formerly Invitae), Labcorp
Classification: Likely benign. Last evaluated: 2025-12-20. Review status: criteria provided, single submitter. Criteria: Invitae Variant Classification Sherloc (09022015). Collection method: clinical testing. Allele origin: germline.

CeGaT Center for Human Genetics Tuebingen
Classification: Likely benign. Last evaluated: 2023-04-01. Review status: criteria provided, single submitter. Criteria: CeGaT Center For Human Genetics Tuebingen Variant Classification Criteria Version 2. Collection method: clinical testing. Allele origin: germline. Affected: yes. Observed: 1 variant allele.
Comment: NSD2: BP4, BP7, BS1

NM_001042424.3(NSD2):c.990A>G (p.Glu330=)

Gene: NSD2 (nuclear receptor binding SET domain protein 2; plus strand). Cytogenetic location: 4p16.3.
Variant type: single nucleotide variant.
Coding change: c.990A>G on transcript NM_001042424.3 (MANE Select); coding-DNA position 990, A replaced by G.
Protein change: p.Glu330=; no amino-acid change (glutamic acid 330 retained).
Molecular consequence: synonymous variant.
Genome position (GRCh38, 1-based): chr4:1,918,203, A>G. VCF-style: chr4-1918203-A-G. GRCh37 (hg19) VCF-style: chr4-1919930-A-G.
Other names: c.990A>G, p.Glu330= (NM_007331.2, NM_133330.3, NM_133331.3 and 2 more transcripts).
Identifiers: ClinVar variation 348431 (VCV000348431.33), dbSNP rs143425918, ClinGen allele CA2812008.